The following is an entry in ClinVar:

ClinVar aggregate classification (germline): Likely benign (1 of 4 stars; one submission).

Submission:

Laboratory for Molecular Medicine, Mass General Brigham Personalized Medicine
Classification: Likely benign. Last evaluated: 2017-01-13. Review status: criteria provided, single submitter. Criteria: LMM Criteria. Collection method: clinical testing. Allele origin: germline. Observed: 1 variant allele.
Comment: p.Ala81Ala in exon 3 of KARS: This variant is not expected to have clinical sign ificance because it does not alter an amino acid residue and is not located with in the splice consensus sequence.

NM_005548.3(KARS1):c.159T>A (p.Ala53=)

Gene: KARS1 (lysyl-tRNA synthetase 1; minus strand). Cytogenetic location: 16q23.1.
Variant type: single nucleotide variant.
Coding change: c.159T>A on transcript NM_005548.3 (MANE Select); coding-DNA position 159, T replaced by A.
Protein change: p.Ala53=; no amino-acid change (alanine 53 retained).
Molecular consequence: synonymous variant. On other transcripts: 5 prime UTR variant (1).
Genome position (GRCh38, 1-based): chr16:75,641,627, A>T on the plus strand (T>A on the coding strand, the complement: KARS1 is on the minus strand). VCF-style: chr16-75641627-A-T. GRCh37 (hg19) VCF-style: chr16-75675525-A-T.
Other names: c.243T>A, p.Ala81= (NM_001130089.2); c.-310T>A (NM_001378148.1).
Identifiers: ClinVar variation 505559 (VCV000505559.4), dbSNP rs1555513622, ClinGen allele CA496586450.